The following is an entry in ClinVar:

NM_006231.4(POLE):c.1861C>T (p.Leu621Phe)

Gene: POLE (DNA polymerase epsilon, catalytic subunit; minus strand). Cytogenetic location: 12q24.33.
Variant type: single nucleotide variant.
Coding change: c.1861C>T on transcript NM_006231.4 (MANE Select); coding-DNA position 1861, C replaced by T.
Protein change: p.Leu621Phe; replaces leucine 621 with phenylalanine.
Molecular consequence: missense variant.
Genome position (GRCh38, 1-based): chr12:132,668,873, G>A on the plus strand (C>T on the coding strand, the complement: POLE is on the minus strand). VCF-style: chr12-132668873-G-A. GRCh37 (hg19) VCF-style: chr12-133245459-G-A.
Other names: c.1861C>T (NM_006231.2); short protein forms L621F.
Identifiers: ClinVar variation 439261 (VCV000439261.13), dbSNP rs945099471, ClinGen allele CA246289525.

ClinVar aggregate classification (germline): Uncertain significance. Review status: criteria provided, multiple submitters, no conflicts (2 of 4 stars). 3 submissions from 3 submitters: Uncertain significance (3). Last evaluated 2025-07-25.

Conditions:
Hereditary cancer-predisposing syndrome. Also called: Hereditary neoplastic syndrome; Hereditary Cancer Syndrome; Tumor predisposition; Neoplastic Syndromes, Hereditary. Identifiers: Orphanet 140162, MedGen C0027672, MeSH D009386, MONDO:0015356.

Allele frequency attached by ClinVar (database versions not stated): gnomAD exomes below 0.00001.
gnomAD v4.1: 2 of 1,614,098 alleles (0.00012%); highest among the groups gnomAD compares: Non-Finnish European, 0.00017%; no homozygotes.

Submissions (3):

Ambry Genetics
Classification: Uncertain significance for Hereditary cancer-predisposing syndrome. Last evaluated: 2025-07-25. Review status: criteria provided, single submitter. Criteria: Ambry Variant Classification Scheme 2023. Collection method: clinical testing. Allele origin: germline.
Comment: The p.L621F variant (also known as c.1861C>T), located in coding exon 17 of the POLE gene, results from a C to T substitution at nucleotide position 1861. The leucine at codon 621 is replaced by phenylalanine, an amino acid with highly similar properties. This amino acid position is highly conserved in available vertebrate species. In addition, the in silico prediction for this alteration is inconclusive. Based on the available evidence, the clinical significance of this variant remains unclear.

Labcorp Genetics (formerly Invitae), Labcorp
Classification: Uncertain significance. Last evaluated: 2024-02-14. Review status: criteria provided, single submitter. Criteria: Invitae Variant Classification Sherloc (09022015). Collection method: clinical testing. Allele origin: germline.
Comment: This sequence change replaces leucine, which is neutral and non-polar, with phenylalanine, which is neutral and non-polar, at codon 621 of the POLE protein (p.Leu621Phe). This variant is not present in population databases (gnomAD no frequency). This variant has not been reported in the literature in individuals affected with POLE-related conditions. ClinVar contains an entry for this variant (Variation ID: 439261). Advanced modeling of protein sequence and biophysical properties (such as structural, functional, and spatial information, amino acid conservation, physicochemical variation, residue mobility, and thermodynamic stability) performed at Invitae indicates that this missense variant is not expected to disrupt POLE protein function with a negative predictive value of 80%. In summary, the available evidence is currently insufficient to determine the role of this variant in disease. Therefore, it has been classified as a Variant of Uncertain Significance.

Quest Diagnostics Nichols Institute San Juan Capistrano
Classification: Uncertain significance. Last evaluated: 2017-04-21. Review status: criteria provided, single submitter. Criteria: Quest Diagnostics criteria. Collection method: clinical testing. Allele origin: germline.